The following is an entry in ClinVar:

NM_001365276.2(TNXB):c.9379A>G (p.Asn3127Asp)

Gene: TNXB (tenascin XB; minus strand). Cytogenetic location: 6p21.33.
Variant type: single nucleotide variant.
Coding change: c.9379A>G on transcript NM_001365276.2 (MANE Select); coding-DNA position 9379, A replaced by G.
Protein change: p.Asn3127Asp; replaces asparagine 3127 with aspartic acid.
Molecular consequence: missense variant.
Genome position (GRCh38, 1-based): chr6:32,050,058, T>C on the plus strand (A>G on the coding strand, the complement: TNXB is on the minus strand). VCF-style: chr6-32050058-T-C. GRCh37 (hg19) VCF-style: chr6-32017835-T-C.
Other names: c.9373A>G, p.Asn3125Asp (NM_019105.8); short protein forms N3125D, N3127D.
Identifiers: ClinVar variation 1311552 (VCV001311552.6), dbSNP rs763951482, ClinGen allele CA3733553.

ClinVar aggregate classification (germline): Conflicting classifications of pathogenicity. Review status: criteria provided, conflicting classifications (1 of 4 stars). 2 submissions from 2 submitters: Uncertain significance (1); Likely benign (1). Last evaluated 2025-08-25.

Conditions:
Cardiovascular phenotype. Identifiers: MedGen CN230736.

Allele frequency attached by ClinVar (database versions not stated): gnomAD exomes below 0.00001; ExAC 0.00001; gnomAD 0.00002; TOPMed 0.00004.
gnomAD v4.1: 5 of 1,613,624 alleles (0.00031%); highest among the groups gnomAD compares: African/African-American, 0.0053%; no homozygotes.

Submissions (2):

GeneDx
Classification: Uncertain significance. Last evaluated: 2025-08-25. Review status: criteria provided, single submitter. Criteria: GeneDx Variant Classification Process June 2021. Collection method: clinical testing. Allele origin: germline. Affected: yes.
Comment: Has not been previously published as pathogenic or benign to our knowledge; Not observed at significant frequency in large population cohorts (gnomAD); In silico analysis supports that this missense variant has a deleterious effect on protein structure/function

Ambry Genetics
Classification: Likely benign for Cardiovascular phenotype. Last evaluated: 2024-08-23. Review status: criteria provided, single submitter. Criteria: Ambry Variant Classification Scheme 2023. Collection method: clinical testing. Allele origin: germline.